The following is an entry in ClinVar:

ClinVar aggregate classification (germline): Uncertain significance (1 of 4 stars; one submission).

Conditions:
Fanconi anemia (FA). Also called: Fanconi's anemia. Identifiers: Orphanet 84, MedGen C0015625, MeSH D005199, MONDO:0019391.

Allele frequency attached by ClinVar (database versions not stated): gnomAD 0.00001; gnomAD exomes 0.00001; ExAC 0.00003.
gnomAD v4.1: 9 of 1,600,306 alleles (0.00056%); highest among the groups gnomAD compares: Non-Finnish European, 0.00076%; no homozygotes.

Submission:

Labcorp Genetics (formerly Invitae), Labcorp
Classification: Uncertain significance for Fanconi anemia. Last evaluated: 2024-11-02. Review status: criteria provided, single submitter. Criteria: Invitae Variant Classification Sherloc (09022015). Collection method: clinical testing. Allele origin: germline.
Comment: This sequence change replaces valine, which is neutral and non-polar, with alanine, which is neutral and non-polar, at codon 1172 of the FANCA protein (p.Val1172Ala). This variant is present in population databases (rs766473917, gnomAD 0.003%). This variant has not been reported in the literature in individuals affected with FANCA-related conditions. ClinVar contains an entry for this variant (Variation ID: 2164511). Invitae Evidence Modeling of protein sequence and biophysical properties (such as structural, functional, and spatial information, amino acid conservation, physicochemical variation, residue mobility, and thermodynamic stability) indicates that this missense variant is not expected to disrupt FANCA protein function with a negative predictive value of 95%. In summary, the available evidence is currently insufficient to determine the role of this variant in disease. Therefore, it has been classified as a Variant of Uncertain Significance.

NM_000135.4(FANCA):c.3515T>C (p.Val1172Ala)

Gene: FANCA (FA complementation group A; minus strand). Cytogenetic location: 16q24.3.
Variant type: single nucleotide variant.
Coding change: c.3515T>C on transcript NM_000135.4 (MANE Select); coding-DNA position 3515, T replaced by C.
Protein change: p.Val1172Ala; replaces valine 1172 with alanine.
Molecular consequence: missense variant.
Genome position (GRCh38, 1-based): chr16:89,745,070, A>G on the plus strand (T>C on the coding strand, the complement: FANCA is on the minus strand). VCF-style: chr16-89745070-A-G. GRCh37 (hg19) VCF-style: chr16-89811478-A-G.
Other names: c.3515T>C, p.Val1172Ala (NM_001286167.3); short protein forms V1172A.
Identifiers: ClinVar variation 2164511 (VCV002164511.3), dbSNP rs766473917, ClinGen allele CA8251106.